The following is an entry in ClinVar:

NM_001032283.3(TMPO):c.350A>G (p.Asn117Ser)

Gene: TMPO (thymopoietin; plus strand). Cytogenetic location: 12q23.1.
Variant type: single nucleotide variant.
Coding change: c.350A>G on transcript NM_001032283.3 (MANE Select); coding-DNA position 350, A replaced by G.
Protein change: p.Asn117Ser; replaces asparagine 117 with serine.
Molecular consequence: missense variant.
Genome position (GRCh38, 1-based): chr12:98,527,956, A>G. VCF-style: chr12-98527956-A-G. GRCh37 (hg19) VCF-style: chr12-98921734-A-G.
Other names: p.N117S:AAT>AGT; c.350A>G, p.Asn117Ser (NM_001032284.3, NM_001307975.2, NM_003276.2); short protein forms N117S.
Identifiers: ClinVar variation 202139 (VCV000202139.22), dbSNP rs141387097, ClinGen allele CA308904.

ClinVar aggregate classification (germline): Likely benign. Review status: criteria provided, multiple submitters, no conflicts (2 of 4 stars). 6 submissions from 6 submitters: Likely benign (5). 1 of the submissions does not count toward it. Last evaluated 2026-01-13.

Conditions:
TMPO-related disorder. Also called: TMPO-related condition.
Loeys-Dietz syndrome 2 (LDS2). Also called: Marfan syndrome, type 2 (formerly); AORTIC ANEURYSM, FAMILIAL THORACIC 3; Marfan Syndrome type 2; Marfan like connective tissue disorder; MFS 2; MARFAN SYNDROME, TYPE II. Identifiers: Orphanet 284973, Orphanet 558, MedGen C2674574, MONDO:0012427, OMIM 610168.

Allele frequency attached by ClinVar (database versions not stated): gnomAD exomes 0.00007 and 0.00016; ExAC 0.00017; gnomAD 0.00064 and 0.00068; TOPMed 0.00068; 1000 Genomes Project 0.00080; 1000 Genomes Project 30x 0.00109; ESP Exome Variant Server 0.00123.
gnomAD v4.1: 211 of 1,613,952 alleles (0.013%); highest among the groups gnomAD compares: African/African-American, 0.26%; no homozygotes.

Submissions (6):

Labcorp Genetics (formerly Invitae), Labcorp
Classification: Likely benign for Loeys-Dietz syndrome 2. Last evaluated: 2026-01-13. Review status: criteria provided, single submitter. Criteria: Invitae Variant Classification Sherloc (09022015). Collection method: clinical testing. Allele origin: germline.

Women's Health and Genetics/Laboratory Corporation of America, LabCorp
Classification: Likely benign. Last evaluated: 2021-04-15. Review status: criteria provided, single submitter. Criteria: LabCorp Variant Classification Summary - May 2015. Collection method: clinical testing. Allele origin: germline.
Comment: Variant summary: TMPO c.350A>G (p.Asn117Ser) results in a conservative amino acid change in the encoded protein sequence. Four of five in-silico tools predict a benign effect of the variant on protein function. The variant allele was found at a frequency of 0.00016 in 251414 control chromosomes, predominantly at a frequency of 0.0022 within the African or African-American subpopulation in the gnomAD database. The observed variant frequency within African or African-American control individuals in the gnomAD database is approximately 141 fold of the estimated maximal expected allele frequency for a pathogenic variant in TMPO causing Dilated Cardiomyopathy phenotype (1.6e-05), strongly suggesting that the variant is a benign polymorphism found primarily in populations of African or African-American origin. To our knowledge, no occurrence of c.350A>G in individuals affected with Dilated Cardiomyopathy and no experimental evidence demonstrating its impact on protein function have been reported. Three ClinVar submitters (evaluation after 2014) cite the variant as likely benign. Based on the evidence outlined above, the variant was classified as likely benign.

GeneDx
Classification: Likely benign. Last evaluated: 2020-08-05. Review status: criteria provided, single submitter. Criteria: GeneDx Variant Classification Process June 2021. Collection method: clinical testing. Allele origin: germline. Affected: yes.
Comment: In silico analysis supports that this missense variant has a deleterious effect on protein structure/function

Ambry Genetics
Classification: Likely benign. Last evaluated: 2016-07-20. Review status: criteria provided, single submitter. Criteria: Ambry Variant Classification Scheme 2023. Collection method: clinical testing. Allele origin: germline.

Breakthrough Genomics
Classification: Likely benign. Review status: criteria provided, single submitter. Criteria: ACMG Guidelines, 2015. Collection method: not provided. Allele origin: germline. Inheritance: Unknown mechanism. Affected: yes.

PreventionGenetics, part of Exact Sciences
Classification: Likely benign for TMPO-related condition. Last evaluated: 2022-07-27. Review status: no assertion criteria provided. Collection method: clinical testing. Allele origin: germline. Not counted in ClinVar's aggregate classification.
Comment: This variant is classified as likely benign based on ACMG/AMP sequence variant interpretation guidelines (Richards et al. 2015 PMID: 25741868, with internal and published modifications).